The following is an entry in ClinVar:

NM_004360.5(CDH1):c.1585A>G (p.Thr529Ala)

Gene: CDH1 (cadherin 1; plus strand). Cytogenetic location: 16q22.1.
Variant type: single nucleotide variant.
Coding change: c.1585A>G on transcript NM_004360.5 (MANE Select); coding-DNA position 1585, A replaced by G.
Protein change: p.Thr529Ala; replaces threonine 529 with alanine.
Molecular consequence: missense variant. On other transcripts: intron variant (1).
Genome position (GRCh38, 1-based): chr16:68,819,299, A>G. VCF-style: chr16-68819299-A-G. GRCh37 (hg19) VCF-style: chr16-68853202-A-G.
Other names: NM_004360.5(CDH1):c.1585A>G; p.Thr529Ala; c.1402A>G, p.Thr468Ala (NM_001317184.2); c.37A>G, p.Thr13Ala (NM_001317185.2); c.-254-2702A>G (NM_001317186.2); c.1585A>G (LRG_301t1); short protein forms T529A, T13A, T468A.
Identifiers: ClinVar variation 220445 (VCV000220445.25), dbSNP rs776890776, ClinGen allele CA347984.

ClinVar aggregate classification (germline): Uncertain significance. Review status: reviewed by expert panel (3 of 4 stars). 8 submissions from 8 submitters: Uncertain significance (1). 7 of the submissions do not count toward it. Last evaluated 2023-08-02.

Conditions:
Hereditary diffuse gastric adenocarcinoma (HDGC). Also called: DIFFUSE GASTRIC AND LOBULAR BREAST CANCER SYNDROME. Identifiers: Orphanet 26106, MedGen C1708349, MONDO:0007648, OMIM 137215.
Ovarian cancer. Also called: OVARIAN CANCER, SOMATIC. Identifiers: Orphanet 213500, MedGen C1140680, MONDO:0008170, OMIM 167000.
Familial cancer of breast. Also called: hereditary breast carcinoma; Hereditary breast cancer; BREAST CANCER, FAMILIAL. Identifiers: Orphanet 227535, MedGen C0346153, MONDO:0016419, OMIM 114480. Disease mechanism: loss of function.
Blepharocheilodontic syndrome 1 (BCDS1). Identifiers: Orphanet 1997, MedGen C4551988, MONDO:0054740, OMIM 119580.
Endometrial carcinoma. Also called: Endometrial carcinoma, somatic. Identifiers: MedGen C0476089, MONDO:0002447, OMIM 608089, HP:0012114.
CDH1-related diffuse gastric and lobular breast cancer syndrome. Also called: CDH1-related diffuse gastric and lobular breast cancer. Identifiers: MedGen CN311521, MONDO:0100488.
Hereditary cancer-predisposing syndrome. Also called: Tumor predisposition; Hereditary neoplastic syndrome; Neoplastic Syndromes, Hereditary; Hereditary Cancer Syndrome. Identifiers: Orphanet 140162, MedGen C0027672, MeSH D009386, MONDO:0015356.
Malignant tumor of breast. Also called: Malignant breast neoplasm; Cancer breast. Identifiers: MedGen C0006142, MONDO:0007254. Disease mechanism: loss of function.

gnomAD v4.1: 10 of 1,614,232 alleles (0.00062%); highest among the groups gnomAD compares: East Asian, 0.022%; no homozygotes.

Submissions (8):

Clingen Gastric Cancer Variant Curation Expert Panel
Classification: Uncertain significance for CDH1-related diffuse gastric and lobular breast cancer syndrome. Last evaluated: 2023-08-02. Review status: reviewed by expert panel. Criteria: ClinGen CDH1 ACMG Specifications V3.1. Collection method: curation. Allele origin: germline. Inheritance: Autosomal dominant inheritance.
Comment: The c.1585A>G (NM_004360.5) variant in CDH1 is a missense variant predicted to predicted to cause substitution of Thr by Ala at amino acid 529 (p.Thr529Ala). This variant has been observed in more than 3 heterozygous individuals without GC, DGC, SRC tumours or LBC and whose families do not suggest HDGC (BS2_Supporting; PMID: 30287823, Ambry, Invitae). In summary, this variant is classified as uncertain significance for DGLBCS based on the ACMG/AMP criteria applied, as specified by the ClinGen CDH1 VCEP: BS2_Supporting. (CDH1 VCEP specifications version 3.1; 04/24/2023)

Color Diagnostics, LLC DBA Color Health
Classification: Uncertain significance for Hereditary cancer-predisposing syndrome. Last evaluated: 2025-08-20. Review status: criteria provided, single submitter. Criteria: ACMG Guidelines, 2015. Collection method: clinical testing. Allele origin: germline. Not counted in ClinVar's aggregate classification.
Comment: This missense variant replaces threonine with alanine at codon 529 of the CDH1 protein. To our knowledge, functional studies have not been reported for this variant. This variant has been reported in an individual affected with diffuse gastric cancer (PMID: 28522256). This variant also has been reported in breast and pancreatic gastric cancer case-control studies in 0/7104 breast cancer cases and 2/23731 unaffected individuals (PMID: 30287823), 1/60466 breast cancer cases and 3/53461 unaffected individuals (PMID: 33471991Leiden Open Variation Database DB-ID CDH1_000267), and 0/1005 pancreatic cancer cases and 2/23705 unaffected individuals (PMID: 32980694). This variant has been identified in 6/251482 chromosomes in the general population by the Genome Aggregation Database (gnomAD). The available evidence is insufficient to determine the role of this variant in disease conclusively. Therefore, this variant is classified as a Variant of Uncertain Significance.

Labcorp Genetics (formerly Invitae), Labcorp
Classification: Uncertain significance for Hereditary diffuse gastric adenocarcinoma. Last evaluated: 2025-07-23. Review status: criteria provided, single submitter. Criteria: Invitae Variant Classification Sherloc (09022015). Collection method: clinical testing. Allele origin: germline. Not counted in ClinVar's aggregate classification.
Comment: This sequence change replaces threonine, which is neutral and polar, with alanine, which is neutral and non-polar, at codon 529 of the CDH1 protein (p.Thr529Ala). This variant is present in population databases (rs776890776, gnomAD 0.04%). This missense change has been observed in individual(s) with diffuse gastric cancer (PMID: 32426482). ClinVar contains an entry for this variant (Variation ID: 220445). An algorithm developed to predict the effect of missense changes on protein structure and function outputs the following: PolyPhen-2: "Benign". The alanine amino acid residue is found in multiple mammalian species, which suggests that this missense change does not adversely affect protein function. In summary, the available evidence is currently insufficient to determine the role of this variant in disease. Therefore, it has been classified as a Variant of Uncertain Significance.

Fulgent Genetics
Classification: Uncertain significance for Familial cancer of breast; Blepharocheilodontic syndrome 1; Hereditary diffuse gastric adenocarcinoma; Ovarian cancer; Endometrial carcinoma. Last evaluated: 2024-06-05. Review status: criteria provided, single submitter. Criteria: ACMG Guidelines, 2015. Collection method: clinical testing. Allele origin: germline. Not counted in ClinVar's aggregate classification.

Myriad Genetics, Inc.
Classification: Uncertain significance for Hereditary diffuse gastric adenocarcinoma. Last evaluated: 2023-03-03. Review status: criteria provided, single submitter. Criteria: Myriad Autosomal Dominant, Autosomal Recessive and X-Linked Classification Criteria (2023). Collection method: clinical testing. Allele origin: unknown. Not counted in ClinVar's aggregate classification.
Comment: This variant is classified as a variant of uncertain significance as there is insufficient evidence to determine its impact on protein function and/or cancer risk.

Ambry Genetics
Classification: Likely benign for Hereditary cancer-predisposing syndrome. Last evaluated: 2017-08-31. Review status: criteria provided, single submitter. Criteria: Ambry Variant Classification Scheme 2023. Collection method: clinical testing. Allele origin: germline. Not counted in ClinVar's aggregate classification.

Counsyl
Classification: Uncertain significance for Hereditary diffuse gastric adenocarcinoma. Last evaluated: 2017-11-14. Review status: no assertion criteria provided. Collection method: clinical testing. Allele origin: unknown. Not counted in ClinVar's aggregate classification.

Department of Pathology and Laboratory Medicine, Sinai Health System
Classification: Uncertain significance for Malignant tumor of breast. Review status: no assertion criteria provided. Collection method: clinical testing. Allele origin: unknown. Affected: yes. Observed: 1 variant allele. Study: The Canadian Open Genetics Repository (COGR). Not counted in ClinVar's aggregate classification.
Comment: The CDH1 p.Thr529Ala variant was not identified in the literature nor was it identified in the COSMIC, MutDB, Insight Colon Cancer Gene Variant Database, or the Zhejiang Colon Cancer Database. The variant was identified in dbSNP (ID: rs776890776) as â€šÃ„ÃºWith Uncertain significance alleleâ€šÃ„Ã¹, and in ClinVar and Clinvitae (1x classified as uncertain significance by Invitae in a case of hereditary diffuse gastric cancer). The variant was identified in control databases in 7 of 246262 chromosomes at a frequency of 0.00003 (Genome Aggregation Database Feb 27, 2017). It was observed in the East Asian population in 7 of 17248 chromosomes (freq: 0.0004); it was not observed in the African, Other, Latino, European Non-Finnish, Ashkenazi Jewish, European Finnish, and South Asian populations. The p.Thr529Ala residue is not conserved in mammals and computational analyses (PolyPhen-2, SIFT, AlignGVGD, BLOSUM, MutationTaster) do not suggest a high likelihood of impact to the protein; however, this information is not predictive enough to rule out pathogenicity. The variant occurs outside of the splicing consensus sequence and in silico or computational prediction software programs (SpliceSiteFinder, MaxEntScan, NNSPLICE, GeneSplicer, HumanSpliceFinder) do not predict a difference in splicing. In summary, based on the above information the clinical significance of this variant cannot be determined with certainty at this time. This variant is classified as a variant of uncertain significance.

Literature cited by the submitters: PubMed 28522256 (cited by Color Diagnostics, LLC DBA Color Health); PubMed 30287823 (cited by Color Diagnostics, LLC DBA Color Health); PubMed 32980694 (cited by Color Diagnostics, LLC DBA Color Health); PubMed 33471991 (cited by Color Diagnostics, LLC DBA Color Health); PubMed 32426482 (cited by Labcorp Genetics (formerly Invitae), Labcorp).